The following is an entry in ClinVar:

ClinVar aggregate classification (germline): Conflicting classifications of pathogenicity. Review status: criteria provided, conflicting classifications (1 of 4 stars). 2 submissions from 2 submitters: Pathogenic (1); Uncertain significance (1). Last evaluated 2026-03-01.

Conditions:
Coffin-Siris syndrome 8. Identifiers: MedGen C5193054, MONDO:0032702, OMIM 618362.

Submissions (2):

CeGaT Center for Human Genetics Tuebingen
Classification: Pathogenic. Last evaluated: 2026-03-01. Review status: criteria provided, single submitter. Criteria: CeGaT Center For Human Genetics Tuebingen Variant Classification Criteria Version 2. Collection method: clinical testing. Allele origin: germline. Affected: yes. Observed: 2 variant alleles.
Comment: SMARCC2: PVS1, PM2

Revvity Omics, Revvity
Classification: Uncertain significance for Coffin-Siris syndrome 8. Last evaluated: 2021-06-10. Review status: criteria provided, single submitter. Criteria: ACMG Guidelines, 2015. Collection method: clinical testing. Allele origin: germline.

NM_001330288.2(SMARCC2):c.1839C>A (p.Tyr613Ter)

Gene: SMARCC2 (SWI/SNF related BAF chromatin remodeling complex subunit C2; minus strand). Cytogenetic location: 12q13.2.
Variant type: single nucleotide variant.
Coding change: c.1839C>A on transcript NM_001330288.2 (MANE Select); coding-DNA position 1839, C replaced by A.
Protein change: p.Tyr613Ter; replaces tyrosine 613 with a stop codon.
Molecular consequence: nonsense.
Genome position (GRCh38, 1-based): chr12:56,172,609, G>T on the plus strand (C>A on the coding strand, the complement: SMARCC2 is on the minus strand). VCF-style: chr12-56172609-G-T. GRCh37 (hg19) VCF-style: chr12-56566393-G-T.
Other names: c.1839C>A, p.Tyr613Ter (NM_001130420.3, NM_139067.4); c.1746C>A, p.Tyr582Ter (NM_003075.5); short protein forms Y582*, Y613*.
Identifiers: ClinVar variation 2436138 (VCV002436138.7), dbSNP rs759635452, ClinGen allele CA385345059.
Genomic context (GRCh38, chr12:56,172,609, plus strand): 5'-CATTCTCTACCCCTAGAGTCGGCCCGCACCTCCTACCTTGGAGGGAACATTCTTTTTTGT[G>T]TACATGTCTGTGCGCAGCCCAAAGTTTTGCATGTCTGTTGGTTTCTCTTTGCCTTTGTCA-3'